The following is an entry in ClinVar:

ClinVar aggregate classification (germline): Uncertain significance (1 of 4 stars; one submission).

Submission:

GeneDx
Classification: Uncertain significance. Last evaluated: 2024-09-24. Review status: criteria provided, single submitter. Criteria: GeneDx Variant Classification Process June 2021. Collection method: clinical testing. Allele origin: germline. Affected: yes.
Comment: Not observed at significant frequency in large population cohorts (gnomAD); In silico analysis supports that this missense variant has a deleterious effect on protein structure/function; Has not been previously published as pathogenic or benign to our knowledge

NM_001379403.1(WDR26):c.2033T>C (p.Phe678Ser)

Gene: WDR26 (WD repeat domain 26; minus strand). Cytogenetic location: 1q42.11.
Variant type: single nucleotide variant.
Coding change: c.2033T>C on transcript NM_001379403.1 (MANE Select); coding-DNA position 2033, T replaced by C.
Protein change: p.Phe678Ser; replaces phenylalanine 678 with serine.
Molecular consequence: missense variant.
Genome position (GRCh38, 1-based): chr1:224,398,138, A>G on the plus strand (T>C on the coding strand, the complement: WDR26 is on the minus strand). VCF-style: chr1-224398138-A-G. GRCh37 (hg19) VCF-style: chr1-224585840-A-G.
Other names: c.1685T>C, p.Phe562Ser (NM_001115113.3); c.1733T>C, p.Phe578Ser (NM_025160.7); short protein forms F562S, F578S, F678S.
Identifiers: ClinVar variation 3773907 (VCV003773907.1).
Genomic context (GRCh38, chr1:224,398,138, plus strand): 5'-TGATAAGGACACAATTTACCTTCACTGCCACTAGCGATGAAGTCTTCATTATGGCCTCCA[A>G]AACATGAATGAATTGTATAAAACCCTTGTGTAACACCTTGATACTTTCTTACTAAAACTC-3'
Protein context (NP_001366332.1, residues 668-688): TQGFYTIHSC[Phe678Ser]GGHNEDFIAS